The following is an entry in ClinVar:

ClinVar aggregate classification (germline): Uncertain significance. Review status: criteria provided, multiple submitters, no conflicts (2 of 4 stars). 2 submissions from 2 submitters: Uncertain significance (2). Last evaluated 2025-11-21.

Allele frequency attached by ClinVar (database versions not stated): ExAC 0.00001; gnomAD 0.00002; gnomAD exomes 0.00001; TOPMed 0.00003.
gnomAD v4.1: 16 of 1,613,934 alleles (0.00099%); highest among the groups gnomAD compares: Admixed American, 0.0033%; no homozygotes.

Submissions (2):

Labcorp Genetics (formerly Invitae), Labcorp
Classification: Uncertain significance. Last evaluated: 2025-11-21. Review status: criteria provided, single submitter. Criteria: Invitae Variant Classification Sherloc (09022015). Collection method: clinical testing. Allele origin: germline.
Comment: This sequence change replaces asparagine, which is neutral and polar, with serine, which is neutral and polar, at codon 454 of the ARHGAP24 protein (p.Asn454Ser). This variant is present in population databases (rs762030305, gnomAD 0.006%). This variant has not been reported in the literature in individuals affected with ARHGAP24-related conditions. ClinVar contains an entry for this variant (Variation ID: 3128661). An algorithm developed to predict the effect of missense changes on protein structure and function outputs the following: PolyPhen-2: "Benign". The serine amino acid residue is found in multiple mammalian species, which suggests that this missense change does not adversely affect protein function. In summary, the available evidence is currently insufficient to determine the role of this variant in disease. Therefore, it has been classified as a Variant of Uncertain Significance.

Ambry Genetics
Classification: Uncertain significance. Last evaluated: 2024-01-03. Review status: criteria provided, single submitter. Criteria: Ambry Variant Classification Scheme 2023. Collection method: clinical testing. Allele origin: germline.

NM_001025616.3(ARHGAP24):c.1361A>G (p.Asn454Ser)

Gene: ARHGAP24 (Rho GTPase activating protein 24; plus strand). Cytogenetic location: 4q21.23.
Variant type: single nucleotide variant.
Coding change: c.1361A>G on transcript NM_001025616.3 (MANE Select); coding-DNA position 1361, A replaced by G.
Protein change: p.Asn454Ser; replaces asparagine 454 with serine.
Molecular consequence: missense variant.
Genome position (GRCh38, 1-based): chr4:85,995,015, A>G. VCF-style: chr4-85995015-A-G. GRCh37 (hg19) VCF-style: chr4-86916168-A-G.
Other names: c.1076A>G, p.Asn359Ser (NM_001042669.2); c.1106A>G, p.Asn369Ser (NM_001287805.2); c.782A>G, p.Asn261Ser (NM_001346093.2); c.1082A>G, p.Asn361Ser (NM_031305.3); short protein forms N261S, N454S, N359S, N361S, N369S.
Identifiers: ClinVar variation 3128661 (VCV003128661.2), dbSNP rs762030305, ClinGen allele CA2994723.